The following is an entry in ClinVar:

NM_020822.3(KCNT1):c.1810A>G (p.Lys604Glu)

Gene: KCNT1 (potassium sodium-activated channel subfamily T member 1; plus strand). Cytogenetic location: 9q34.3.
Variant type: single nucleotide variant.
Coding change: c.1810A>G on transcript NM_020822.3 (MANE Select); coding-DNA position 1810, A replaced by G.
Protein change: p.Lys604Glu; replaces lysine 604 with glutamic acid.
Molecular consequence: missense variant.
Genome position (GRCh38, 1-based): chr9:135,770,897, A>G. VCF-style: chr9-135770897-A-G. GRCh37 (hg19) VCF-style: chr9-138662743-A-G.
Other names: c.1675A>G, p.Lys559Glu (NM_001272003.2); short protein forms K559E, K604E.
Identifiers: ClinVar variation 3907959 (VCV003907959.1).

ClinVar aggregate classification (germline): Uncertain significance (1 of 4 stars; one submission).

gnomAD v4.1: 1 of 1,601,176 alleles (0.000062%); highest among the groups gnomAD compares: East Asian, 0.0023%; no homozygotes.

Submission:

GeneDx
Classification: Uncertain significance. Last evaluated: 2024-12-27. Review status: criteria provided, single submitter. Criteria: GeneDx Variant Classification Process June 2021. Collection method: clinical testing. Allele origin: germline. Affected: yes.
Comment: In silico analysis supports that this missense variant has a deleterious effect on protein structure/function; Has not been previously published as pathogenic or benign to our knowledge